The following is an entry in ClinVar:

ClinVar aggregate classification (germline): Uncertain significance. Review status: criteria provided, multiple submitters, no conflicts (2 of 4 stars). 2 submissions from 2 submitters: Uncertain significance (2). Last evaluated 2025-12-15.

Conditions:
Brugada syndrome. Also called: Sudden unexplained nocturnal death syndrome; Sudden unexpected nocturnal death syndrome; Sudden Unexplained Death Syndrome; Sudden Unexplained Nocturnal Death Syndrome (SUNDS). Identifiers: Orphanet 130, MedGen C1142166, MONDO:0015263.

Allele frequency attached by ClinVar (database versions not stated): gnomAD 0.00003; TOPMed 0.00006.
gnomAD v4.1: 5 of 1,611,622 alleles (0.00031%); highest among the groups gnomAD compares: African/African-American, 0.004%; no homozygotes.

Submissions (2):

Ambry Genetics
Classification: Uncertain significance. Last evaluated: 2025-12-15. Review status: criteria provided, single submitter. Criteria: Ambry Variant Classification Scheme 2023. Collection method: clinical testing. Allele origin: germline.

Labcorp Genetics (formerly Invitae), Labcorp
Classification: Uncertain significance for Brugada syndrome. Last evaluated: 2023-02-06. Review status: criteria provided, single submitter. Criteria: Invitae Variant Classification Sherloc (09022015). Collection method: clinical testing. Allele origin: germline.
Comment: This variant has not been reported in the literature in individuals affected with SLMAP-related conditions. This sequence change replaces arginine, which is basic and polar, with lysine, which is basic and polar, at codon 632 of the SLMAP protein (p.Arg632Lys). This variant is present in population databases (no rsID available, gnomAD 0.02%). ClinVar contains an entry for this variant (Variation ID: 1782139). Algorithms developed to predict the effect of missense changes on protein structure and function output the following: SIFT: "Tolerated"; PolyPhen-2: "Benign"; Align-GVGD: "Class C0". The lysine amino acid residue is found in multiple mammalian species, which suggests that this missense change does not adversely affect protein function. In summary, the available evidence is currently insufficient to determine the role of this variant in disease. Therefore, it has been classified as a Variant of Uncertain Significance.

NM_001377540.1(SLMAP):c.1997G>A (p.Arg666Lys)

Gene: SLMAP (sarcolemma associated protein; plus strand). Cytogenetic location: 3p14.3.
Variant type: single nucleotide variant.
Coding change: c.1997G>A on transcript NM_001377540.1 (MANE Select); coding-DNA position 1997, G replaced by A.
Protein change: p.Arg666Lys; replaces arginine 666 with lysine.
Molecular consequence: missense variant. On other transcripts: non-coding transcript variant (1).
Genome position (GRCh38, 1-based): chr3:57,912,678, G>A. VCF-style: chr3-57912678-G-A. GRCh37 (hg19) VCF-style: chr3-57898405-G-A.
Other names: c.1883G>A, p.Arg628Lys (NM_001377552.1, NM_001377551.1); c.1874G>A, p.Arg625Lys (NM_001377555.1); c.1832G>A, p.Arg611Lys (NM_001377557.1, NM_001377559.1, NM_001304421.2); c.1823G>A, p.Arg608Lys (NM_001377562.1, NM_001377921.1); c.1811G>A, p.Arg604Lys (NM_001377922.1); c.1772G>A, p.Arg591Lys (NM_001377923.1); c.1760G>A, p.Arg587Lys (NM_001377924.1); c.1709G>A, p.Arg570Lys (NM_001377925.1); and 8 more; short protein forms R117K, R608K, R649K, R142K, R587K, R628K, R666K, R570K.
Identifiers: ClinVar variation 1782139 (VCV001782139.6), dbSNP rs1271547211, ClinGen allele CA353408869.